The following is an entry in ClinVar:

ClinVar aggregate classification (germline): Uncertain significance (1 of 4 stars; one submission).

Submission:

Labcorp Genetics (formerly Invitae), Labcorp
Classification: Uncertain significance. Last evaluated: 2024-04-10. Review status: criteria provided, single submitter. Criteria: Invitae Variant Classification Sherloc (09022015). Collection method: clinical testing. Allele origin: germline.
Comment: This variant, c.767_772del, results in the deletion of 2 amino acid(s) of the MNX1 protein (p.Leu256_Glu257del), but otherwise preserves the integrity of the reading frame. This variant is not present in population databases (gnomAD no frequency). This variant has not been reported in the literature in individuals affected with MNX1-related conditions. Experimental studies and prediction algorithms are not available or were not evaluated, and the functional significance of this variant is currently unknown. In summary, the available evidence is currently insufficient to determine the role of this variant in disease. Therefore, it has been classified as a Variant of Uncertain Significance.

NM_005515.4(MNX1):c.761TGGAGC[1] (p.254LE[1])

Genes: MNX1 (motor neuron and pancreas homeobox 1; minus strand), MNX1-AS2 (MNX1 antisense RNA 2; plus strand). Cytogenetic location: 7q36.3.
Variant type: Microsatellite.
Coding change: c.761TGGAGC[1] on transcript NM_005515.4 (MANE Select); one copy of the 6-base unit TGGAGC starting at c.761; the reference has two copies in a row; one copy, 6 bases deleted.
Protein change: p.254LE[1].
Genome position (GRCh38, 1-based): chr7:157,006,559-157,006,564, GCTCCA deleted on the plus strand (TGGAGC on the coding strand, the reverse complement: MNX1 is on the minus strand); deleting any 6 consecutive bases within chr7:157,006,559-157,006,572 gives the same sequence; the position shown is the placement nearest the transcript's 3' end. VCF-style (leftmost placement, unchanged base first): chr7-157006558-TGCTCCA-T. GRCh37 (hg19) VCF-style: chr7-156799252-TGCTCCA-T.
Other names: c.125TGGAGC[1], p.42LE[1] (NM_001165255.2).
Identifiers: ClinVar variation 3649390 (VCV003649390.2).
Genomic context (GRCh38, chr7:157,006,558, plus strand): 5'-AGCGAGGTGGCCACCTCGAAGCGCTTGGGCCGCGACAGGTACTTGTTGAGCTTGAACTGG[TGCTCCA>T]GCTCCAGCAGCTGCTGGCTGGTGAAGGCGGTGCGCGGCCGGCGGCACTTCCCCAGGAGGT-3'